The following is an entry in ClinVar:

NM_152296.5(ATP1A3):c.2755G>A (p.Val919Ile)

Gene: ATP1A3 (ATPase Na+/K+ transporting subunit alpha 3; minus strand). Cytogenetic location: 19q13.2.
Variant type: single nucleotide variant.
Coding change: c.2755G>A on transcript NM_152296.5 (MANE Select); coding-DNA position 2755, G replaced by A.
Protein change: p.Val919Ile; replaces valine 919 with isoleucine.
Molecular consequence: missense variant.
Genome position (GRCh38, 1-based): chr19:41,968,849, C>T on the plus strand (G>A on the coding strand, the complement: ATP1A3 is on the minus strand). VCF-style: chr19-41968849-C-T. GRCh37 (hg19) VCF-style: chr19-42473001-C-T.
Other names: c.2788G>A, p.Val930Ile (NM_001256213.2); c.2794G>A, p.Val932Ile (NM_001256214.2); c.2755G>A (NM_152296.3); short protein forms V919I, V932I, V930I.
Identifiers: ClinVar variation 2169126 (VCV002169126.5), dbSNP rs1568853008, ClinGen allele CA406036079.

ClinVar aggregate classification (germline): Uncertain significance. Review status: criteria provided, multiple submitters, no conflicts (2 of 4 stars). 2 submissions from 2 submitters: Uncertain significance (2). Last evaluated 2025-10-14.

Conditions:
Inborn genetic diseases. Identifiers: MedGen C0950123, MeSH D030342.
Dystonia 12 (DYT12). Also called: DYT-ATP1A3; Rapid-Onset Dystonia-Parkinsonism (RDP). Identifiers: Orphanet 71517, MedGen C1868681, MONDO:0007496, OMIM 128235.

Allele frequency attached by ClinVar (database versions not stated): gnomAD exomes below 0.00001; gnomAD 0.00001.
gnomAD v4.1: 8 of 1,614,030 alleles (0.0005%); highest among the groups gnomAD compares: East Asian, 0.0022%; no homozygotes.

Submissions (2):

Ambry Genetics
Classification: Uncertain significance for Inborn genetic diseases. Last evaluated: 2025-10-14. Review status: criteria provided, single submitter. Criteria: Ambry Variant Classification Scheme 2023. Collection method: clinical testing. Allele origin: germline.
Comment: The c.2755G>A (p.V919I) alteration is located in exon 20 (coding exon 20) of the ATP1A3 gene. This alteration results from a G to A substitution at nucleotide position 2755, causing the valine (V) at amino acid position 919 to be replaced by an isoleucine (I). Based on data from gnomAD, the A allele has an overall frequency of <0.001% (1/251460) total alleles studied. The highest observed frequency was 0.001% (1/113746) of European (non-Finnish) alleles. Based on insufficient or conflicting evidence, the clinical significance of this alteration remains unclear.

Labcorp Genetics (formerly Invitae), Labcorp
Classification: Uncertain significance for Dystonia 12. Last evaluated: 2023-12-27. Review status: criteria provided, single submitter. Criteria: Invitae Variant Classification Sherloc (09022015). Collection method: clinical testing. Allele origin: germline.
Comment: This sequence change replaces valine, which is neutral and non-polar, with isoleucine, which is neutral and non-polar, at codon 919 of the ATP1A3 protein (p.Val919Ile). This variant is not present in population databases (gnomAD no frequency). This variant has not been reported in the literature in individuals affected with ATP1A3-related conditions. ClinVar contains an entry for this variant (Variation ID: 2169126). Advanced modeling of protein sequence and biophysical properties (such as structural, functional, and spatial information, amino acid conservation, physicochemical variation, residue mobility, and thermodynamic stability) performed at Invitae indicates that this missense variant is expected to disrupt ATP1A3 protein function with a positive predictive value of 95%. In summary, the available evidence is currently insufficient to determine the role of this variant in disease. Therefore, it has been classified as a Variant of Uncertain Significance.